The following is an entry in ClinVar:

NM_000238.4(KCNH2):c.1871G>T (p.Ser624Ile)

Gene: KCNH2 (potassium voltage-gated channel subfamily H member 2; minus strand). Cytogenetic location: 7q36.1.
Variant type: single nucleotide variant.
Coding change: c.1871G>T on transcript NM_000238.4 (MANE Select); coding-DNA position 1871, G replaced by T.
Protein change: p.Ser624Ile; replaces serine 624 with isoleucine.
Molecular consequence: missense variant. On other transcripts: non-coding transcript variant (2).
Genome position (GRCh38, 1-based): chr7:150,951,522, C>A on the plus strand (G>T on the coding strand, the complement: KCNH2 is on the minus strand). VCF-style: chr7-150951522-C-A. GRCh37 (hg19) VCF-style: chr7-150648610-C-A.
Other names: c.851G>T, p.Ser284Ile (NM_001204798.2, NM_172057.3); c.1583G>T, p.Ser528Ile (NM_001406753.1, NM_001406756.1); c.1694G>T, p.Ser565Ile (NM_001406755.1); c.1571G>T, p.Ser524Ile (NM_001406757.1); c.1871G>T, p.Ser624Ile (NM_172056.3); short protein forms S284I, S524I, S528I, S565I, S624I.
Identifiers: ClinVar variation 4074744 (VCV004074744.1).

ClinVar aggregate classification (germline): Likely pathogenic (1 of 4 stars; one submission).

Conditions:
Long QT syndrome 2 (LQT2). Identifiers: Orphanet 101016, Orphanet 768, MedGen C3150943, MONDO:0013367, OMIM 613688.

Submission:

Institute of Immunology and Genetics Kaiserslautern
Classification: Likely pathogenic for Long QT syndrome 2. Last evaluated: 2025-06-26. Review status: criteria provided, single submitter. Criteria: ACMG Guidelines, 2015. Collection method: clinical testing. Allele origin: germline. Affected: yes.
Comment: ACMG Criteria: PM1, PM2, PP3, PP4 ; Variant was found in heterozygous state.